The following is an entry in ClinVar:

NM_000553.6(WRN):c.3767C>T (p.Ser1256Leu)

Gene: WRN (WRN RecQ like helicase; plus strand). Cytogenetic location: 8p12.
Variant type: single nucleotide variant.
Coding change: c.3767C>T on transcript NM_000553.6 (MANE Select); coding-DNA position 3767, C replaced by T.
Protein change: p.Ser1256Leu; replaces serine 1256 with leucine.
Molecular consequence: missense variant.
Genome position (GRCh38, 1-based): chr8:31,154,703, C>T. VCF-style: chr8-31154703-C-T. GRCh37 (hg19) VCF-style: chr8-31012219-C-T.
Other names: short protein forms S1256L.
Identifiers: ClinVar variation 2140575 (VCV002140575.3), dbSNP rs2536056705, ClinGen allele CA370929142.

ClinVar aggregate classification (germline): Uncertain significance (1 of 4 stars; one submission).

Conditions:
Werner syndrome (WRN). Identifiers: Orphanet 902, MedGen C0043119, MONDO:0010196, OMIM 277700.

Submission:

Labcorp Genetics (formerly Invitae), Labcorp
Classification: Uncertain significance for Werner syndrome. Last evaluated: 2024-04-16. Review status: criteria provided, single submitter. Criteria: Invitae Variant Classification Sherloc (09022015). Collection method: clinical testing. Allele origin: germline.
Comment: This sequence change replaces serine, which is neutral and polar, with leucine, which is neutral and non-polar, at codon 1256 of the WRN protein (p.Ser1256Leu). This variant is not present in population databases (gnomAD no frequency). This variant has not been reported in the literature in individuals affected with WRN-related conditions. ClinVar contains an entry for this variant (Variation ID: 2140575). An algorithm developed to predict the effect of missense changes on protein structure and function (PolyPhen-2) suggests that this variant is likely to be tolerated. In summary, the available evidence is currently insufficient to determine the role of this variant in disease. Therefore, it has been classified as a Variant of Uncertain Significance.